The following is an entry in ClinVar:

NM_031220.4(PITPNM3):c.497G>A (p.Arg166Gln)

Gene: PITPNM3 (PITPNM family member 3; minus strand). Cytogenetic location: 17p13.2.
Variant type: single nucleotide variant.
Coding change: c.497G>A on transcript NM_031220.4 (MANE Select); coding-DNA position 497, G replaced by A.
Protein change: p.Arg166Gln; replaces arginine 166 with glutamine.
Molecular consequence: missense variant.
Genome position (GRCh38, 1-based): chr17:6,483,607, C>T on the plus strand (G>A on the coding strand, the complement: PITPNM3 is on the minus strand). VCF-style: chr17-6483607-C-T. GRCh37 (hg19) VCF-style: chr17-6386927-C-T.
Other names: c.497G>A (NM_031220.3); c.389G>A, p.Arg130Gln (NM_001165966.2); short protein forms R130Q, R166Q.
Identifiers: ClinVar variation 1015779 (VCV001015779.9), dbSNP rs539611927, ClinGen allele CA287323467.
Genomic context (GRCh38, chr17:6,483,607, plus strand): 5'-ATGGCAGGACAGGGGACGAACTTGATGAGGATGTGGCCCAGGGCAGCAGGGAAATGGGCT[C>T]GTGTGACCTTCTCCAGCACGGAGCTGAAGGTGTGGATGTCGGCTGCCTTGCAGGACGGGT-3'
Protein context (NP_112497.2, residues 156-176): TFSSVLEKVT[Arg166Gln]AHFPAALGHI

ClinVar aggregate classification (germline): Uncertain significance. Review status: criteria provided, multiple submitters, no conflicts (2 of 4 stars). 2 submissions from 2 submitters: Uncertain significance (2). Last evaluated 2025-07-15.

Allele frequency attached by ClinVar (database versions not stated): gnomAD exomes 0.00001; TOPMed 0.00002; gnomAD 0.00004 and 0.00005.
gnomAD v4.1: 17 of 1,613,978 alleles (0.0011%); highest among the groups gnomAD compares: Admixed American, 0.0033%; no homozygotes.

Submissions (2):

Ambry Genetics
Classification: Uncertain significance. Last evaluated: 2025-07-15. Review status: criteria provided, single submitter. Criteria: Ambry Variant Classification Scheme 2023. Collection method: clinical testing. Allele origin: germline.

Labcorp Genetics (formerly Invitae), Labcorp
Classification: Uncertain significance. Last evaluated: 2025-03-17. Review status: criteria provided, single submitter. Criteria: Invitae Variant Classification Sherloc (09022015). Collection method: clinical testing. Allele origin: germline.
Comment: This sequence change replaces arginine, which is basic and polar, with glutamine, which is neutral and polar, at codon 166 of the PITPNM3 protein (p.Arg166Gln). This variant is present in population databases (rs539611927, gnomAD 0.003%). This variant has not been reported in the literature in individuals affected with PITPNM3-related conditions. ClinVar contains an entry for this variant (Variation ID: 1015779). Invitae Evidence Modeling of protein sequence and biophysical properties (such as structural, functional, and spatial information, amino acid conservation, physicochemical variation, residue mobility, and thermodynamic stability) indicates that this missense variant is not expected to disrupt PITPNM3 protein function with a negative predictive value of 80%. In summary, the available evidence is currently insufficient to determine the role of this variant in disease. Therefore, it has been classified as a Variant of Uncertain Significance.